The following is an entry in ClinVar:

NM_002474.3(MYH11):c.4624GAG[1] (p.Glu1543del)

Genes: NDE1 (nudE neurodevelopment protein 1; plus strand), MYH11 (myosin heavy chain 11; minus strand). Cytogenetic location: 16p13.11.
Variant type: Microsatellite.
Coding change: c.4624GAG[1] on transcript NM_002474.3 (MANE Select); one copy of the 3-base unit GAG starting at c.4624; the reference has two copies in a row; one copy, 3 bases deleted.
Protein change: p.Glu1543del; deletes glutamic acid 1543.
Molecular consequence: intron variant (on NM_017668.3).
Genome position (GRCh38, 1-based): chr16:15,721,001-15,721,003, CTC deleted on the plus strand (GAG on the coding strand, the reverse complement: MYH11 is on the minus strand); deleting any 3 consecutive bases within chr16:15,721,001-15,721,007 gives the same sequence; the position shown is the placement nearest the transcript's 3' end. VCF-style (leftmost placement, unchanged base first): chr16-15721000-TCTC-T. GRCh37 (hg19) VCF-style: chr16-15814857-TCTC-T.
Other names: c.4645GAG[1], p.Glu1550del (NM_001040113.2, NM_001040114.2); c.4624GAG[1], p.Glu1543del (NM_022844.3); c.948-3186_948-3184del (NM_001143979.2, NM_017668.3); short protein forms E1550del, E1543del.
Identifiers: ClinVar variation 3683234 (VCV003683234.2).

ClinVar aggregate classification (germline): Uncertain significance (1 of 4 stars; one submission).

Conditions:
Aortic aneurysm, familial thoracic 4 (AAT4). Also called: AORTIC ANEURYSM/AORTIC DISSECTION AND PATENT DUCTUS ARTERIOSUS. Identifiers: MedGen C1851504, MONDO:0007568, OMIM 132900.

Submission:

Labcorp Genetics (formerly Invitae), Labcorp
Classification: Uncertain significance for Aortic aneurysm, familial thoracic 4. Last evaluated: 2024-07-22. Review status: criteria provided, single submitter. Criteria: Invitae Variant Classification Sherloc (09022015). Collection method: clinical testing. Allele origin: germline.
Comment: This variant, c.4648_4650del, results in the deletion of 1 amino acid(s) of the MYH11 protein (p.Glu1550del), but otherwise preserves the integrity of the reading frame. This variant is not present in population databases (gnomAD no frequency). This variant has not been reported in the literature in individuals affected with MYH11-related conditions. Experimental studies and prediction algorithms are not available or were not evaluated, and the functional significance of this variant is currently unknown. In summary, the available evidence is currently insufficient to determine the role of this variant in disease. Therefore, it has been classified as a Variant of Uncertain Significance.